The following is an entry in ClinVar:

ClinVar aggregate classification (germline): Uncertain significance (1 of 4 stars; one submission).

Conditions:
Hereditary cancer-predisposing syndrome. Also called: Tumor predisposition; Hereditary neoplastic syndrome; Hereditary Cancer Syndrome; Neoplastic Syndromes, Hereditary. Identifiers: Orphanet 140162, MedGen C0027672, MeSH D009386, MONDO:0015356.

Submission:

Ambry Genetics
Classification: Uncertain significance for Hereditary cancer-predisposing syndrome. Last evaluated: 2025-04-09. Review status: criteria provided, single submitter. Criteria: Ambry Variant Classification Scheme 2023. Collection method: clinical testing. Allele origin: germline.
Comment: The c.3264_3275+16del28insCCG variant results from a deletion of 28 nucleotides and insertion of 3 nucleotides between positions 3264 and 3275+16 and involves the canonical splice donor site after coding exon 26 of the POLE gene. This variant is considered to be rare based on population cohorts in the Genome Aggregation Database (gnomAD). The canonical splice donor site is highly conserved in available vertebrate species. In silico splice site analysis predicts that this alteration will weaken the native splice donor site and will result in the creation or strengthening of a novel splice donor site; however, the exact impact of this deletion on POLE splicing and function is currently unknown. Alterations that disrupt the canonical splice site are expected to cause aberrant splicing, resulting in an abnormal protein or a transcript that is subject to nonsense-mediated mRNA decay. Although biallelic loss of function of POLE has been associated with autosomal recessive POLE deficiency, haploinsufficiency of POLE has not been established as a mechanism of disease for POLE-related polymerase proofreading-associated polyposis (PPAP) and POLE-related CMMRD-like syndrome. Based on the supporting evidence, this variant is expected to be likely pathogenic for POLE deficiency when present along with a second pathogenic variant on the other allele; however, its clinical significance for PPAP and POLE-related CMMRD-like syndrome is unclear.

NM_006231.4(POLE):c.3264_3275+16delinsCCG

Gene: POLE (DNA polymerase epsilon, catalytic subunit; minus strand). Cytogenetic location: 12q24.33.
Variant type: Indel.
Coding change: c.3264_3275+16delinsCCG on transcript NM_006231.4 (MANE Select); coding-DNA position 3264 through 16 bases into the intron after coding-DNA position 3275, TGTCACGGAGAGGTGAGGGCTCCCCCCA replaced by CCG.
Molecular consequence: splice donor variant.
Genome position (GRCh38, 1-based): chr12:132,659,279-132,659,306, TGGGGGGAGCCCTCACCTCTCCGTGACA replaced by CGG on the plus strand (TGTCACGGAGAGGTGAGGGCTCCCCCCA replaced by CCG on the coding strand, the reverse complement: POLE is on the minus strand). VCF-style: chr12-132659279-TGGGGGGAGCCCTCACCTCTCCGTGACA-CGG. GRCh37 (hg19) VCF-style: chr12-133235865-TGGGGGGAGCCCTCACCTCTCCGTGACA-CGG.
Identifiers: ClinVar variation 3935704 (VCV003935704.1).